The following is an entry in ClinVar:

NM_004699.4(FAM50A):c.378G>A (p.Glu126=)

Gene: FAM50A (family with sequence similarity 50 member A; plus strand). Cytogenetic location: Xq28.
Variant type: single nucleotide variant.
Coding change: c.378G>A on transcript NM_004699.4 (MANE Select); coding-DNA position 378, G replaced by A.
Protein change: p.Glu126=; no amino-acid change (glutamic acid 126 retained).
Molecular consequence: synonymous variant.
Genome position (GRCh38, 1-based): chrX:154,446,496, G>A. VCF-style: chrX-154446496-G-A. GRCh37 (hg19) VCF-style: chrX-153674844-G-A.
Identifiers: ClinVar variation 4085160 (VCV004085160.8).

ClinVar aggregate classification (germline): Likely benign (1 of 4 stars; one submission).

gnomAD v4.1: 9 of 1,202,084 alleles (0.00075%); highest among the groups gnomAD compares: Admixed American, 0.011%; no homozygotes.

Submission:

CeGaT Center for Human Genetics Tuebingen
Classification: Likely benign. Last evaluated: 2025-06-01. Review status: criteria provided, single submitter. Criteria: CeGaT Center For Human Genetics Tuebingen Variant Classification Criteria Version 2. Collection method: clinical testing. Allele origin: germline. Affected: yes. Observed: 1 variant allele.
Comment: FAM50A: BP4, BP7